The following is an entry in ClinVar:

ClinVar aggregate classification (germline): Uncertain significance (1 of 4 stars; one submission).

Submission:

ISCA site 4
Classification: Uncertain significance. Last evaluated: 2011-08-12. Review status: criteria provided, single submitter. Criteria: Kaminsky et al. (Genet Med. 2011). Collection method: clinical testing. Allele origin: maternal. Affected: yes. Observed: 1 variant allele.
Comment: Copy number variation identified through the course of routine clinical cytogenomic testing in postnatal populations. Clinical assertions have been curated as described in Kaminsky et al. 2011.

GRCh38/hg38 4p16.2(chr4:4810396-5212384)x3

Genes: CYTL1 (cytokine like 1; minus strand), LINC01396 (long independently transcribed non-coding RNA 1396; plus strand), MSX1 (msh homeobox 1; plus strand), STK32B (serine/threonine kinase 32B; plus strand), STK32B-DT (STK32B divergent transcript; minus strand) and 12 more. Cytogenetic location: 4p16.2.
Variant type: copy number gain.
Change: copy number 3 (three copies instead of two) of chr4:4,810,396-5,212,384 (402.0 kb, GRCh38 coordinates, 1-based), cytogenetic band 4p16.2.
Identifiers: ClinVar variation 57095 (VCV000057095.1).